The following is an entry in ClinVar:

ClinVar aggregate classification (germline): Uncertain significance (1 of 4 stars; one submission).

Conditions:
IL12RB1-related disorder. Also called: IL12RB1-related condition.

Allele frequency attached by ClinVar (database versions not stated): ExAC 0.00007; TOPMed 0.00014; 1000 Genomes Project 30x 0.00016; 1000 Genomes Project 0.00020.
gnomAD v4.1: 364 of 1,607,998 alleles (0.023%); highest among the groups gnomAD compares: Non-Finnish European, 0.03%; no homozygotes.

Submission:

PreventionGenetics, part of Exact Sciences
Classification: Uncertain significance for IL12RB1-related condition. Last evaluated: 2025-04-23. Review status: criteria provided, single submitter. Criteria: ACMG Guidelines, 2015. Collection method: clinical testing. Allele origin: germline.
Comment: The IL12RB1 c.1623G>T variant is not predicted to result in an amino acid change (p.=). This variant is predicted to impact splicing based on available splicing prediction programs (SpliceAI, Jaganathan et al. 2019. PubMed ID: 30661751). To our knowledge, this variant has not been reported in the literature. This variant is reported in 0.022% of alleles in individuals of European (Non-Finnish) descent in gnomAD. At this time, the clinical significance of this variant is uncertain due to the absence of conclusive functional and genetic evidence.

NM_005535.3(IL12RB1):c.1623G>T (p.Val541=)

Gene: IL12RB1 (interleukin 12 receptor subunit beta 1; minus strand). Cytogenetic location: 19p13.11.
Variant type: single nucleotide variant.
Coding change: c.1623G>T on transcript NM_005535.3 (MANE Select); coding-DNA position 1623, G replaced by T.
Protein change: p.Val541=; no amino-acid change (valine 541 retained).
Molecular consequence: synonymous variant.
Genome position (GRCh38, 1-based): chr19:18,062,273, C>A on the plus strand (G>T on the coding strand, the complement: IL12RB1 is on the minus strand). VCF-style: chr19-18062273-C-A. GRCh37 (hg19) VCF-style: chr19-18173083-C-A.
Other names: c.1623G>T, p.Val541= (NM_001290023.2); c.1743G>T, p.Val581= (NM_001290024.2).
Identifiers: ClinVar variation 3047222 (VCV003047222.3), dbSNP rs527345458, ClinGen allele CA9304752.